The following is an entry in ClinVar:

NM_205850.3(SLC24A5):c.980A>G (p.Lys327Arg)

Genes: MYEF2 (myelin expression factor 2; minus strand), SLC24A5 (solute carrier family 24 member 5; plus strand). Cytogenetic location: 15q21.1.
Variant type: single nucleotide variant.
Coding change: c.980A>G on transcript NM_205850.3 (MANE Select); coding-DNA position 980, A replaced by G.
Protein change: p.Lys327Arg; replaces lysine 327 with arginine.
Molecular consequence: missense variant. On other transcripts: 3 prime UTR variant (2).
Genome position (GRCh38, 1-based): chr15:48,139,077, A>G. VCF-style: chr15-48139077-A-G. GRCh37 (hg19) VCF-style: chr15-48431274-A-G.
Other names: c.*3831T>C (NM_001301210.2, NM_016132.5); short protein forms K327R.
Identifiers: ClinVar variation 4755215 (VCV004755215.1).

ClinVar aggregate classification (germline): Uncertain significance (1 of 4 stars; one submission).

gnomAD v4.1: 1 of 1,613,224 alleles (0.000062%); no homozygotes.

Submission:

Labcorp Genetics (formerly Invitae), Labcorp
Classification: Uncertain significance. Last evaluated: 2025-04-29. Review status: criteria provided, single submitter. Criteria: Invitae Variant Classification Sherloc (09022015). Collection method: clinical testing. Allele origin: germline.
Comment: This sequence change replaces lysine, which is basic and polar, with arginine, which is basic and polar, at codon 327 of the SLC24A5 protein (p.Lys327Arg). This variant is not present in population databases (gnomAD no frequency). This variant has not been reported in the literature in individuals affected with SLC24A5-related conditions. Invitae Evidence Modeling of protein sequence and biophysical properties (such as structural, functional, and spatial information, amino acid conservation, physicochemical variation, residue mobility, and thermodynamic stability) indicates that this missense variant is not expected to disrupt SLC24A5 protein function with a negative predictive value of 80%. In summary, the available evidence is currently insufficient to determine the role of this variant in disease. Therefore, it has been classified as a Variant of Uncertain Significance.